The following is an entry in ClinVar:

NM_004371.4(COPA):c.1814A>G (p.Asn605Ser)

Gene: COPA (coat protein complex I subunit alpha; minus strand). Cytogenetic location: 1q23.2.
Variant type: single nucleotide variant.
Coding change: c.1814A>G on transcript NM_004371.4 (MANE Select); coding-DNA position 1814, A replaced by G.
Protein change: p.Asn605Ser; replaces asparagine 605 with serine.
Molecular consequence: missense variant.
Genome position (GRCh38, 1-based): chr1:160,299,118, T>C on the plus strand (A>G on the coding strand, the complement: COPA is on the minus strand). VCF-style: chr1-160299118-T-C. GRCh37 (hg19) VCF-style: chr1-160268908-T-C.
Other names: c.1841A>G, p.Asn614Ser (NM_001098398.2); short protein forms N605S, N614S.
Identifiers: ClinVar variation 1717066 (VCV001717066.5), dbSNP rs2525368459, ClinGen allele CA343280597.
Genomic context (GRCh38, chr1:160,299,118, plus strand): 5'-GTGCTGCCTCTCTTAATACTCTAGTTTGCATCCTCACTTCATACCTCATCATATTTTCTG[T>C]TGATCAGGGCCAGCTTGAATTTGAACTCAGTGGGATCAATGGTGAGTACCCGGGGACGAC-3'
Protein context (NP_004362.2, residues 595-615): TEFKFKLALI[Asn605Ser]RKYDEVLHMV

ClinVar aggregate classification (germline): Uncertain significance (1 of 4 stars; one submission).

Conditions:
Autoimmune interstitial lung disease-arthritis syndrome. Also called: Autoinflammation and autoimmunity, systemic, with immune dysregulation. Identifiers: Orphanet 444092, MedGen C5975714, MONDO:0014629.

Allele frequency attached by ClinVar (database versions not stated): gnomAD exomes below 0.00001.
gnomAD v4.1: 2 of 1,614,128 alleles (0.00012%); highest among the groups gnomAD compares: East Asian, 0.0022%; no homozygotes.

Submission:

Labcorp Genetics (formerly Invitae), Labcorp
Classification: Uncertain significance for Autoimmune interstitial lung disease-arthritis syndrome. Last evaluated: 2022-07-14. Review status: criteria provided, single submitter. Criteria: Invitae Variant Classification Sherloc (09022015). Collection method: clinical testing. Allele origin: germline.
Comment: This sequence change replaces asparagine, which is neutral and polar, with serine, which is neutral and polar, at codon 605 of the COPA protein (p.Asn605Ser). This variant is not present in population databases (gnomAD no frequency). This variant has not been reported in the literature in individuals affected with COPA-related conditions. Advanced modeling of protein sequence and biophysical properties (such as structural, functional, and spatial information, amino acid conservation, physicochemical variation, residue mobility, and thermodynamic stability) performed at Invitae indicates that this missense variant is not expected to disrupt COPA protein function. In summary, the available evidence is currently insufficient to determine the role of this variant in disease. Therefore, it has been classified as a Variant of Uncertain Significance.